The following is an entry in ClinVar:

NM_000293.3(PHKB):c.1784T>C (p.Ile595Thr)

Gene: PHKB (phosphorylase kinase regulatory subunit beta; plus strand). Cytogenetic location: 16q12.1.
Variant type: single nucleotide variant.
Coding change: c.1784T>C on transcript NM_000293.3 (MANE Select); coding-DNA position 1784, T replaced by C.
Protein change: p.Ile595Thr; replaces isoleucine 595 with threonine.
Molecular consequence: missense variant.
Genome position (GRCh38, 1-based): chr16:47,649,191, T>C. VCF-style: chr16-47649191-T-C. GRCh37 (hg19) VCF-style: chr16-47683102-T-C.
Other names: c.1763T>C, p.Ile588Thr (NM_001031835.3); c.1784T>C, p.Ile595Thr (NM_001363837.1); short protein forms I588T, I595T.
Identifiers: ClinVar variation 2190485 (VCV002190485.4), dbSNP rs2506567745, ClinGen allele CA395786320.

ClinVar aggregate classification (germline): Uncertain significance (1 of 4 stars; one submission).

Conditions:
Glycogen storage disease IXb (GSD9B). Also called: PHOSPHORYLASE KINASE DEFICIENCY OF LIVER AND MUSCLE, AUTOSOMAL RECESSIVE; GLYCOGENOSIS OF LIVER AND MUSCLE, AUTOSOMAL RECESSIVE; GSD IXb. Identifiers: Orphanet 79240, MedGen C0543514, MONDO:0009868, OMIM 261750.

Submission:

Labcorp Genetics (formerly Invitae), Labcorp
Classification: Uncertain significance for Glycogen storage disease IXb. Last evaluated: 2022-06-26. Review status: criteria provided, single submitter. Criteria: Invitae Variant Classification Sherloc (09022015). Collection method: clinical testing. Allele origin: germline.
Comment: This variant is not present in population databases (gnomAD no frequency). This variant has not been reported in the literature in individuals affected with PHKB-related conditions. Algorithms developed to predict the effect of missense changes on protein structure and function (SIFT, PolyPhen-2, Align-GVGD) all suggest that this variant is likely to be disruptive. In summary, the available evidence is currently insufficient to determine the role of this variant in disease. Therefore, it has been classified as a Variant of Uncertain Significance. This sequence change replaces isoleucine, which is neutral and non-polar, with threonine, which is neutral and polar, at codon 595 of the PHKB protein (p.Ile595Thr).